The following is an entry in ClinVar:

ClinVar aggregate classification (germline): Likely benign (1 of 4 stars; one submission).

gnomAD v4.1: 4 of 1,614,056 alleles (0.00025%); highest among the groups gnomAD compares: South Asian, 0.0044%; no homozygotes.

Submission:

CeGaT Center for Human Genetics Tuebingen
Classification: Likely benign. Last evaluated: 2026-07-01. Review status: criteria provided, single submitter. Criteria: CeGaT Center For Human Genetics Tuebingen Variant Classification Criteria Version 2. Collection method: clinical testing. Allele origin: germline. Affected: yes. Observed: 1 variant allele.
Comment: HEATR3: BP4, BP7

NM_182922.4(HEATR3):c.915T>C (p.Thr305=)

Gene: HEATR3 (HEAT repeat containing 3; plus strand). Cytogenetic location: 16q12.1.
Variant type: single nucleotide variant.
Coding change: c.915T>C on transcript NM_182922.4 (MANE Select); coding-DNA position 915, T replaced by C.
Protein change: p.Thr305=; no amino-acid change (threonine 305 retained).
Molecular consequence: synonymous variant. On other transcripts: non-coding transcript variant (2).
Genome position (GRCh38, 1-based): chr16:50,078,892, T>C. VCF-style: chr16-50078892-T-C. GRCh37 (hg19) VCF-style: chr16-50112803-T-C.
Other names: c.564T>C, p.Thr188= (NM_001329729.2, NM_001329730.2); c.222T>C, p.Thr74= (NM_001329731.2).
Identifiers: ClinVar variation 5039150 (VCV005039150.1).